The following is an entry in ClinVar:

ClinVar aggregate classification (germline): Uncertain significance (1 of 4 stars; one submission).

Conditions:
TSC2-related disorder. Also called: TSC2-related condition; TSC2-Related Disorders.

Submission:

PreventionGenetics, part of Exact Sciences
Classification: Uncertain significance for TSC2-related condition. Last evaluated: 2024-10-24. Review status: criteria provided, single submitter. Criteria: ACMG Guidelines, 2015. Collection method: clinical testing. Allele origin: germline.
Comment: The TSC2 c.2452A>C variant is predicted to result in the amino acid substitution p.Ile818Leu. To our knowledge, this variant has not been reported in the literature or in a large population database (gnomAD), indicating this variant is rare. At this time, the clinical significance of this variant is uncertain due to the absence of conclusive functional and genetic evidence.

NM_000548.5(TSC2):c.2452A>C (p.Ile818Leu)

Gene: TSC2 (TSC complex subunit 2; plus strand). Cytogenetic location: 16p13.3.
Variant type: single nucleotide variant.
Coding change: c.2452A>C on transcript NM_000548.5 (MANE Select); coding-DNA position 2452, A replaced by C.
Protein change: p.Ile818Leu; replaces isoleucine 818 with leucine.
Molecular consequence: missense variant. On other transcripts: non-coding transcript variant (5).
Genome position (GRCh38, 1-based): chr16:2,074,296, A>C. VCF-style: chr16-2074296-A-C. GRCh37 (hg19) VCF-style: chr16-2124297-A-C.
Other names: c.2452A>C, p.Ile818Leu (NM_001077183.3, NM_001114382.3, NM_001363528.2 and 6 more transcripts); c.2341A>C, p.Ile781Leu (NM_001318827.2, NM_001406670.1, NM_001406678.1); c.2305A>C, p.Ile769Leu (NM_001318829.2, NM_001406675.1, NM_001406676.1 and 1 more transcripts); c.1852A>C, p.Ile618Leu (NM_001318831.2, NM_001406680.1, NM_001406682.1 and 6 more transcripts); c.2485A>C, p.Ile829Leu (NM_001318832.2); c.2542A>C, p.Ile848Leu (NM_001406667.1, NM_001406668.1); c.2440A>C, p.Ile814Leu (NM_001406671.1, NM_001406673.1); c.2395A>C, p.Ile799Leu (NM_001406677.1); and 3 more; short protein forms I814L, I848L, I284L, I370L, I618L, I769L, I781L, I818L.
Identifiers: ClinVar variation 5002436 (VCV005002436.1).